The following is an entry in ClinVar:

NM_013275.6(ANKRD11):c.5117C>T (p.Pro1706Leu)

Gene: ANKRD11 (ankyrin repeat domain 11; minus strand). Cytogenetic location: 16q24.3.
Variant type: single nucleotide variant.
Coding change: c.5117C>T on transcript NM_013275.6 (MANE Select); coding-DNA position 5117, C replaced by T.
Protein change: p.Pro1706Leu; replaces proline 1706 with leucine.
Molecular consequence: missense variant.
Genome position (GRCh38, 1-based): chr16:89,281,425, G>A on the plus strand (C>T on the coding strand, the complement: ANKRD11 is on the minus strand). VCF-style: chr16-89281425-G-A. GRCh37 (hg19) VCF-style: chr16-89347833-G-A.
Other names: c.5117C>T (NM_013275.4); c.5117C>T, p.Pro1706Leu (NM_001256182.2, NM_001256183.2); short protein forms P1706L.
Identifiers: ClinVar variation 2158611 (VCV002158611.5), dbSNP rs765241145, ClinGen allele CA8241944.

ClinVar aggregate classification (germline): Uncertain significance. Review status: criteria provided, multiple submitters, no conflicts (2 of 4 stars). 2 submissions from 2 submitters: Uncertain significance (2). Last evaluated 2026-07-19.

Conditions:
Inborn genetic diseases. Identifiers: MedGen C0950123, MeSH D030342.
KBG syndrome (KBGS). Also called: ANKRD11-Related KBG Syndrome. Identifiers: Orphanet 2332, MedGen C0220687, MONDO:0007846, OMIM 148050.

gnomAD v4.1: 3 of 1,612,708 alleles (0.00019%); highest among the groups gnomAD compares: Admixed American, 0.0033%; no homozygotes.

Submissions (2):

Ambry Genetics
Classification: Uncertain significance for Inborn genetic diseases. Last evaluated: 2026-07-19. Review status: criteria provided, single submitter. Criteria: Ambry Variant Classification Scheme 2023. Collection method: clinical testing. Allele origin: germline.
Comment: The c.5117C>T (p.P1706L) alteration is located in exon 9 (coding exon 7) of the ANKRD11 gene. This alteration results from a C to T substitution at nucleotide position 5117, causing the proline (P) at amino acid position 1706 to be replaced by a leucine (L). Based on data from gnomAD, the T allele has an overall frequency of <0.001% (1/249894) total alleles studied. The highest observed frequency was 0.003% (1/34492) of Latino alleles. Based on insufficient or conflicting evidence, the clinical significance of this alteration remains unclear.

Labcorp Genetics (formerly Invitae), Labcorp
Classification: Uncertain significance for KBG syndrome. Last evaluated: 2022-08-05. Review status: criteria provided, single submitter. Criteria: Invitae Variant Classification Sherloc (09022015). Collection method: clinical testing. Allele origin: germline.
Comment: This sequence change replaces proline, which is neutral and non-polar, with leucine, which is neutral and non-polar, at codon 1706 of the ANKRD11 protein (p.Pro1706Leu). This variant is present in population databases (rs765241145, gnomAD 0.003%). This variant has not been reported in the literature in individuals affected with ANKRD11-related conditions. Advanced modeling of protein sequence and biophysical properties (such as structural, functional, and spatial information, amino acid conservation, physicochemical variation, residue mobility, and thermodynamic stability) performed at Invitae indicates that this missense variant is not expected to disrupt ANKRD11 protein function. In summary, the available evidence is currently insufficient to determine the role of this variant in disease. Therefore, it has been classified as a Variant of Uncertain Significance.